The following is an entry in ClinVar:

ClinVar aggregate classification (germline): Likely benign (1 of 4 stars; one submission).

Allele frequency attached by ClinVar (database versions not stated): gnomAD exomes below 0.00001.

Submission:

CeGaT Center for Human Genetics Tuebingen
Classification: Likely benign. Last evaluated: 2023-02-01. Review status: criteria provided, single submitter. Criteria: CeGaT Center For Human Genetics Tuebingen Variant Classification Criteria Version 2. Collection method: clinical testing. Allele origin: germline. Affected: yes. Observed: 1 variant allele.
Comment: LPXN: PM2:Supporting, BP4, BP7

NM_004811.3(LPXN):c.900C>T (p.Phe300=)

Gene: LPXN (leupaxin; minus strand). Cytogenetic location: 11q12.1.
Variant type: single nucleotide variant.
Coding change: c.900C>T on transcript NM_004811.3 (MANE Select); coding-DNA position 900, C replaced by T.
Protein change: p.Phe300=; no amino-acid change (phenylalanine 300 retained).
Molecular consequence: synonymous variant.
Genome position (GRCh38, 1-based): chr11:58,527,715, G>A on the plus strand (C>T on the coding strand, the complement: LPXN is on the minus strand). VCF-style: chr11-58527715-G-A. GRCh37 (hg19) VCF-style: chr11-58295188-G-A.
Other names: c.915C>T, p.Phe305= (NM_001143995.3); c.840C>T, p.Phe280= (NM_001307951.2).
Identifiers: ClinVar variation 2641804 (VCV002641804.24), dbSNP rs2495549105, ClinGen allele CA474817340.